The following is an entry in ClinVar:

NM_005378.6(MYCN):c.134dup (p.Glu47fs)

Genes: MYCN (MYCN proto-oncogene, bHLH transcription factor; plus strand), MYCNOS (MYCN opposite strand; minus strand). Cytogenetic location: 2p24.3.
Variant type: Duplication.
Coding change: c.134dup on transcript NM_005378.6 (MANE Select); coding-DNA position 134, one base duplicated (C; older notation c.134dupC).
Protein change: p.Glu47fs; shifts the reading frame from glutamic acid 47.
Molecular consequence: frameshift variant. On other transcripts: non-coding transcript variant (1), 3 prime UTR variant (1), intron variant (1).
Genome position (GRCh38, 1-based): chr2:15,942,198, C duplicated; the last of 7 consecutive C bases (chr2:15,942,192-15,942,198); duplicating any one gives the same sequence. VCF-style (leftmost placement, unchanged base first): chr2-15942191-A-AC. GRCh37 (hg19) VCF-style: chr2-16082313-A-AC.
Other names: c.134dupC (NM_005378.5, NM_005378.4); c.134dup, p.Glu47fs (NM_001293228.2); c.*69dup (NM_001293233.2); c.157+1455dup (NM_001293231.2); short protein forms E47fs.
Identifiers: ClinVar variation 817596 (VCV000817596.13), dbSNP rs780080562, ClinGen allele CA1538124.

ClinVar aggregate classification (germline): Pathogenic. Review status: criteria provided, multiple submitters, no conflicts (2 of 4 stars). 7 submissions from 7 submitters: Pathogenic (6). 1 of the submissions does not count toward it. Last evaluated 2025-09-16.

Conditions:
Feingold syndrome type 1 (FGLDS1). Also called: MICROCEPHALY AND DIGITAL ABNORMALITIES WITH NORMAL INTELLIGENCE; MICROCEPHALY, MENTAL RETARDATION, AND TRACHEOESOPHAGEAL FISTULA SYNDROME; MICROCEPHALY-OCULO-DIGITO-ESOPHAGEAL-DUODENAL SYNDROME; OCULODIGITOESOPHAGODUODENAL SYNDROME; ODED SYNDROME. Identifiers: Orphanet 1305, Orphanet 391641, MedGen C4551774, MONDO:0008115, OMIM 164280.
MYCN-related disorder. Also called: MYCN-related condition.

Submissions (7):

Centre for Clinical Genetics and Genomic Diagnostics, Zealand University Hospital
Classification: Pathogenic. Last evaluated: 2025-09-16. Review status: criteria provided, single submitter. Criteria: ACMG Guidelines, 2015. Collection method: clinical testing. Allele origin: germline. Affected: yes.

GeneDx
Classification: Pathogenic. Last evaluated: 2023-04-30. Review status: criteria provided, single submitter. Criteria: GeneDx Variant Classification Process June 2021. Collection method: clinical testing. Allele origin: germline. Affected: yes.
Comment: Frameshift variant predicted to result in protein truncation [or nonsense mediated decay in a gene for which loss of function is a known mechanism of disease; This variant is associated with the following publications: (PMID: 18470948)

Labcorp Genetics (formerly Invitae), Labcorp
Classification: Pathogenic. Last evaluated: 2022-09-24. Review status: criteria provided, single submitter. Criteria: Invitae Variant Classification Sherloc (09022015). Collection method: clinical testing. Allele origin: germline.
Comment: This sequence change creates a premature translational stop signal (p.Glu47Glyfs*8) in the MYCN gene. It is expected to result in an absent or disrupted protein product. Loss-of-function variants in MYCN are known to be pathogenic (PMID: 18470948). The frequency data for this variant in the population databases is considered unreliable, as metrics indicate poor data quality at this position in the gnomAD database. This premature translational stop signal has been observed in individual(s) with Feingold syndrome (PMID: 18470948, 21224895). ClinVar contains an entry for this variant (Variation ID: 817596). For these reasons, this variant has been classified as Pathogenic.

Mendelics
Classification: Pathogenic for Feingold syndrome type 1. Last evaluated: 2022-05-04. Review status: criteria provided, single submitter. Criteria: Mendelics Assertion Criteria 2019. Collection method: clinical testing. Allele origin: germline.

Blueprint Genetics
Classification: Pathogenic for MYCN-related disorders. Last evaluated: 2021-07-05. Review status: criteria provided, single submitter. Criteria: ACMG Guidelines, 2015. Collection method: clinical testing. Allele origin: germline. Affected: yes. Observed: 1 variant allele.

Victorian Clinical Genetics Services, Murdoch Childrens Research Institute
Classification: Pathogenic for Feingold syndrome type 1. Last evaluated: 2020-05-25. Review status: criteria provided, single submitter. Criteria: ACMG Guidelines, 2015. Collection method: clinical testing. Allele origin: germline. Inheritance: Autosomal dominant inheritance.
Comment: Based on the classification scheme VCGS_Germline_v1.1.1, this variant is classified as Pathogenic. Following criteria are met: 0103 - Both loss- and gain-of-function are known mechanisms of disease for this gene (PMID: 18470948, 30573562). (N) 0107 - This gene is known to be associated with autosomal dominant disease. (N) 0201 - Variant is predicted to cause nonsense-mediated decay (NMD) and loss of protein (exon 2 of 3). (P) 0251 - Variant is heterozygous. (N) 0301 - Variant is absent from gnomAD. (P) 0702 - Comparable variants that also cause NMD have strong previous evidence for pathogenicity (ClinVar). (P) 0801 - Strong previous evidence of pathogenicity in two de novo patients with Feingold syndrome 1 (PMID: 18470948, 21224895). (P) 0905 - No segregation evidence has been identified for this variant. (N) 1007 - No published functional evidence has been identified for this variant. (N) 1208 - Inheritance information for this variant is not currently available. (N)

Service de Génétique Moléculaire, Hôpital Robert Debré
Classification: Likely pathogenic for Feingold syndrome type 1. Review status: no assertion criteria provided. Collection method: clinical testing. Allele origin: unknown. Affected: yes. Not counted in ClinVar's aggregate classification.

Literature cited by the submitters: PubMed 18470948 (cited by Labcorp Genetics (formerly Invitae), Labcorp and Victorian Clinical Genetics Services, Murdoch Childrens Research Institute); PubMed 21224895 (cited by Labcorp Genetics (formerly Invitae), Labcorp and Victorian Clinical Genetics Services, Murdoch Childrens Research Institute); PubMed 30573562 (cited by Victorian Clinical Genetics Services, Murdoch Childrens Research Institute).